The following is an entry in ClinVar:

ClinVar aggregate classification (germline): Uncertain significance (1 of 4 stars; one submission).

Conditions:
3-methylglutaconic aciduria, type VIIB (MGCA7B). Also called: 3-methylglutaconic aciduria, type VII, with cataracts, neurologic involvement and neutropenia; CLPB Deficiency; 3-methylglutaconic aciduria with cataracts, neurologic involvement and neutropenia. Identifiers: Orphanet 445038, MedGen C5676893, MONDO:0014561, OMIM 616271.

Allele frequency attached by ClinVar (database versions not stated): gnomAD exomes below 0.00001.
gnomAD v4.1: 1 of 1,537,968 alleles (0.000065%); highest among the groups gnomAD compares: Non-Finnish European, 0.000088%; no homozygotes.

Submission:

Labcorp Genetics (formerly Invitae), Labcorp
Classification: Uncertain significance for 3-methylglutaconic aciduria, type VIIB. Last evaluated: 2017-07-15. Review status: criteria provided, single submitter. Criteria: Invitae Variant Classification Sherloc (09022015). Collection method: clinical testing. Allele origin: germline.
Comment: In summary, the available evidence is currently insufficient to determine the role of this variant in disease. Therefore, it has been classified as a Variant of Uncertain Significance. Algorithms developed to predict the effect of missense changes on protein structure and function do not agree on the potential impact of this missense change (SIFT: "Tolerated"; PolyPhen-2: "Probably Damaging"; Align-GVGD: "Class C0"). This variant has not been reported in the literature in individuals with CLPB-related disease. This variant is not present in population databases (ExAC no frequency). This sequence change replaces leucine with proline at codon 285 of the CLPB protein (p.Leu285Pro). The leucine residue is moderately conserved and there is a moderate physicochemical difference between leucine and proline.

NM_001258392.3(CLPB):c.764T>C (p.Leu255Pro)

Gene: CLPB (ClpB family mitochondrial disaggregase; minus strand). Cytogenetic location: 11q13.4.
Variant type: single nucleotide variant.
Coding change: c.764T>C on transcript NM_001258392.3 (MANE Select); coding-DNA position 764, T replaced by C.
Protein change: p.Leu255Pro; replaces leucine 255 with proline.
Molecular consequence: missense variant.
Genome position (GRCh38, 1-based): chr11:72,358,891, A>G on the plus strand (T>C on the coding strand, the complement: CLPB is on the minus strand). VCF-style: chr11-72358891-A-G. GRCh37 (hg19) VCF-style: chr11-72069935-A-G.
Other names: c.677T>C, p.Leu226Pro (NM_001258393.3); c.719T>C, p.Leu240Pro (NM_001258394.3); c.854T>C, p.Leu285Pro (NM_030813.6); short protein forms L285P, L255P, L226P, L240P.
Identifiers: ClinVar variation 476195 (VCV000476195.9), dbSNP rs1555098495, ClinGen allele CA381962118.